The following is an entry in ClinVar:

NM_201384.3(PLEC):c.2326G>C (p.Glu776Gln)

Gene: PLEC (plectin; minus strand). Cytogenetic location: 8q24.3.
Variant type: single nucleotide variant.
Coding change: c.2326G>C on transcript NM_201384.3 (MANE Select); coding-DNA position 2326, G replaced by C.
Protein change: p.Glu776Gln; replaces glutamic acid 776 with glutamine.
Molecular consequence: missense variant.
Genome position (GRCh38, 1-based): chr8:143,930,515, C>G on the plus strand (G>C on the coding strand, the complement: PLEC is on the minus strand). VCF-style: chr8-143930515-C-G. GRCh37 (hg19) VCF-style: chr8-145004683-C-G.
Other names: c.2407G>C (NM_000445.4); c.2407G>C, p.Glu803Gln (NM_000445.5, NM_001410941.1); c.2284G>C, p.Glu762Gln (NM_201378.4); c.2260G>C, p.Glu754Gln (NM_201379.3); c.2737G>C, p.Glu913Gln (NM_201380.4); c.2230G>C, p.Glu744Gln (NM_201381.3); c.2326G>C, p.Glu776Gln (NM_201382.4); c.2338G>C, p.Glu780Gln (NM_201383.3); short protein forms E762Q, E776Q, E780Q, E744Q, E754Q, E803Q, E913Q.
Identifiers: ClinVar variation 2069926 (VCV002069926.5), dbSNP rs781907409, ClinGen allele CA372574985.
Genomic context (GRCh38, chr8:143,930,515, plus strand): 5'-GCTTCAGCTGCACGACGGCCTTGGCCCGCTTGGCCAGGCCTGAGAGGTGGCCCTTGTACT[C>G]GTTCAGCTGTTCCTTCTCGTCCTGTGGGGGAGGGGCAGCATCCAGACGAGGGCCATGGAG-3'
Protein context (NP_958786.1, residues 766-786): DAQDEKEQLN[Glu776Gln]YKGHLSGLAK

ClinVar aggregate classification (germline): Uncertain significance. Review status: criteria provided, single submitter (1 of 4 stars). 2 submissions from 2 submitters: Uncertain significance (1). 1 of the submissions does not count toward it. Last evaluated 2025-04-01.

Conditions:
PLEC-related disorder. Also called: PLEC-related condition; PLEC-related disorders.
Autosomal recessive limb-girdle muscular dystrophy type 2Q (LGMDR17). Also called: MUSCULAR DYSTROPHY, LIMB-GIRDLE, AUTOSOMAL RECESSIVE 17. Identifiers: Orphanet 254361, MedGen C3150989, MONDO:0013390, OMIM 613723.
Epidermolysis bullosa simplex 5B, with muscular dystrophy (EBS5B). Also called: Epidermolysis bullosa simplex with muscular dystrophy; EPIDERMOLYSIS BULLOSA SIMPLEX AND LIMB-GIRDLE MUSCULAR DYSTROPHY. Identifiers: Orphanet 257, MedGen C2931072, MONDO:0009181, OMIM 226670.
Epidermolysis bullosa simplex with nail dystrophy (EBS5D). Identifiers: MedGen C4225309, MONDO:0014661, OMIM 616487.
Epidermolysis bullosa simplex, Ogna type (EBS5A). Also called: Pidermolysis bullosa simplex 5A, Ogna type; EPIDERMOLYSIS BULLOSA SIMPLEX 5A, OGNA TYPE. Identifiers: Orphanet 79401, MedGen C0432317, MONDO:0007555, OMIM 131950.
Epidermolysis bullosa simplex 5C, with pyloric atresia (EBS5C). Also called: PLEC1-Related Epidermolysis Bullosa with Pyloric Atresia; PLEC-Related Epidermolysis Bullosa with Pyloric Atresia; Epidermolysis bullosa simplex with pyloric atresia. Identifiers: Orphanet 158684, MedGen C2677349, MONDO:0012807, OMIM 612138.

gnomAD v4.1: 21 of 1,596,094 alleles (0.0013%); highest among the groups gnomAD compares: Non-Finnish European, 0.0015%; no homozygotes.

Submissions (2):

Labcorp Genetics (formerly Invitae), Labcorp
Classification: Uncertain significance for Autosomal recessive limb-girdle muscular dystrophy type 2Q; Epidermolysis bullosa simplex, Ogna type; Epidermolysis bullosa simplex with nail dystrophy; Epidermolysis bullosa simplex 5C, with pyloric atresia; Epidermolysis bullosa simplex 5B, with muscular dystrophy. Last evaluated: 2025-04-01. Review status: criteria provided, single submitter. Criteria: Invitae Variant Classification Sherloc (09022015). Collection method: clinical testing. Allele origin: germline.
Comment: This sequence change replaces glutamic acid, which is acidic and polar, with glutamine, which is neutral and polar, at codon 803 of the PLEC protein (p.Glu803Gln). This variant is not present in population databases (gnomAD no frequency). This variant has not been reported in the literature in individuals affected with PLEC-related conditions. ClinVar contains an entry for this variant (Variation ID: 2069926). Invitae Evidence Modeling of protein sequence and biophysical properties (such as structural, functional, and spatial information, amino acid conservation, physicochemical variation, residue mobility, and thermodynamic stability) has been performed for this missense variant. However, the output from this modeling did not meet the statistical confidence thresholds required to predict the impact of this variant on PLEC protein function. In summary, the available evidence is currently insufficient to determine the role of this variant in disease. Therefore, it has been classified as a Variant of Uncertain Significance.

PreventionGenetics, part of Exact Sciences
Classification: Uncertain significance for PLEC-related condition. Last evaluated: 2024-05-22. Review status: no assertion criteria provided. Collection method: clinical testing. Allele origin: germline. Not counted in ClinVar's aggregate classification.
Comment: The PLEC c.2407G>C variant is predicted to result in the amino acid substitution p.Glu803Gln. To our knowledge, this variant has not been reported in the literature or in a large population database, indicating this variant is rare. At this time, the clinical significance of this variant is uncertain due to the absence of conclusive functional and genetic evidence.